The following is an entry in ClinVar:

NM_004565.3(PEX14):c.860C>T (p.Thr287Met)

Gene: PEX14 (peroxisomal biogenesis factor 14; plus strand). Cytogenetic location: 1p36.22.
Variant type: single nucleotide variant.
Coding change: c.860C>T on transcript NM_004565.3 (MANE Select); coding-DNA position 860, C replaced by T.
Protein change: p.Thr287Met; replaces threonine 287 with methionine.
Molecular consequence: missense variant.
Genome position (GRCh38, 1-based): chr1:10,629,713, C>T. VCF-style: chr1-10629713-C-T. GRCh37 (hg19) VCF-style: chr1-10689770-C-T.
Other names: short protein forms T287M.
Identifiers: ClinVar variation 839147 (VCV000839147.12), dbSNP rs376758920, ClinGen allele CA583983.

ClinVar aggregate classification (germline): Uncertain significance. Review status: criteria provided, multiple submitters, no conflicts (2 of 4 stars). 4 submissions from 4 submitters: Uncertain significance (3). 1 of the submissions does not count toward it. Last evaluated 2025-06-07.

Conditions:
Peroxisome biogenesis disorder, complementation group K (CGK). Identifiers: MedGen C1866257, MONDO:0800365.
PEX14-related disorder. Also called: PEX14-related condition.
Inborn genetic diseases. Identifiers: MedGen C0950123, MeSH D030342.
Peroxisome biogenesis disorder 13A (Zellweger). Also called: Peroxisome biogenesis disorder 13A. Identifiers: Orphanet 912, MedGen C3554004, MONDO:0013952, OMIM 614887.

Allele frequency attached by ClinVar (database versions not stated): ExAC 0.00007; ESP Exome Variant Server 0.00008; gnomAD exomes 0.00009 and 0.00019; gnomAD 0.00004; TOPMed 0.00006.
gnomAD v4.1: 286 of 1,607,526 alleles (0.018%); highest among the groups gnomAD compares: Non-Finnish European, 0.022%; no homozygotes.

Submissions (4):

Ambry Genetics
Classification: Uncertain significance for Inborn genetic diseases. Last evaluated: 2025-06-07. Review status: criteria provided, single submitter. Criteria: Ambry Variant Classification Scheme 2023. Collection method: clinical testing. Allele origin: germline.

Labcorp Genetics (formerly Invitae), Labcorp
Classification: Uncertain significance for Peroxisome biogenesis disorder, complementation group K. Last evaluated: 2022-09-27. Review status: criteria provided, single submitter. Criteria: Invitae Variant Classification Sherloc (09022015). Collection method: clinical testing. Allele origin: germline.
Comment: This sequence change replaces threonine, which is neutral and polar, with methionine, which is neutral and non-polar, at codon 287 of the PEX14 protein (p.Thr287Met). This variant is present in population databases (rs376758920, gnomAD 0.02%). This variant has not been reported in the literature in individuals affected with PEX14-related conditions. ClinVar contains an entry for this variant (Variation ID: 839147). Advanced modeling of protein sequence and biophysical properties (such as structural, functional, and spatial information, amino acid conservation, physicochemical variation, residue mobility, and thermodynamic stability) performed at Invitae indicates that this missense variant is not expected to disrupt PEX14 protein function. In summary, the available evidence is currently insufficient to determine the role of this variant in disease. Therefore, it has been classified as a Variant of Uncertain Significance.

Illumina Laboratory Services, Illumina
Classification: Uncertain significance for Peroxisome biogenesis disorder 13A (Zellweger). Last evaluated: 2018-01-13. Review status: criteria provided, single submitter. Criteria: ICSL Variant Classification Criteria 13 December 2019. Collection method: clinical testing. Allele origin: germline.

PreventionGenetics, part of Exact Sciences
Classification: Uncertain significance for PEX14-related condition. Last evaluated: 2024-07-01. Review status: no assertion criteria provided. Collection method: clinical testing. Allele origin: germline. Not counted in ClinVar's aggregate classification.
Comment: The PEX14 c.860C>T variant is predicted to result in the amino acid substitution p.Thr287Met. To our knowledge, this variant has not been reported in the literature. This variant is reported in 0.015% of alleles in individuals of European (Non-Finnish) descent in gnomAD. At this time, the clinical significance of this variant is uncertain due to the absence of conclusive functional and genetic evidence.